The following is an entry in ClinVar:

ClinVar aggregate classification (germline): Benign. Review status: criteria provided, single submitter (1 of 4 stars). 2 submissions from 2 submitters: Benign (1). 1 of the submissions does not count toward it. Last evaluated 2022-07-19.

Conditions:
REEP1-related disorder. Also called: REEP1-related condition.
Hereditary spastic paraplegia 31. Also called: SPASTIC PARAPLEGIA 31, AUTOSOMAL DOMINANT. Identifiers: Orphanet 101011, MedGen C1853247, MONDO:0012453, OMIM 610250.

Allele frequency attached by ClinVar (database versions not stated): gnomAD 0.00003 and 0.00008; ESP Exome Variant Server 0.00008; 1000 Genomes Project 30x 0.00016; 1000 Genomes Project 0.00020.
gnomAD v4.1: 129 of 1,614,096 alleles (0.008%); highest among the groups gnomAD compares: South Asian, 0.11%; 4 homozygotes.

Submissions (2):

Labcorp Genetics (formerly Invitae), Labcorp
Classification: Benign for Hereditary spastic paraplegia 31. Last evaluated: 2022-07-19. Review status: criteria provided, single submitter. Criteria: Invitae Variant Classification Sherloc (09022015). Collection method: clinical testing. Allele origin: germline.

PreventionGenetics, part of Exact Sciences
Classification: Uncertain significance for REEP1-related condition. Last evaluated: 2024-07-31. Review status: no assertion criteria provided. Collection method: clinical testing. Allele origin: germline. Not counted in ClinVar's aggregate classification.
Comment: The REEP1 c.385C>T variant is predicted to result in the amino acid substitution p.Arg129Cys. This variant has been reported in the homozygous state in an individual with hereditary spastic paraplegia with distal amyotrophy (Table S3, Kara et al. 2016. PubMed ID: 27217339). This variant is reported in 0.075% of alleles in individuals of South Asian descent in gnomAD. At this time, this variant is interpreted as uncertain due to the absence of conclusive functional and genetic evidence.

NM_001371279.1(REEP1):c.808C>T (p.Arg270Cys)

Gene: REEP1 (receptor accessory protein 1; minus strand). Cytogenetic location: 2p11.2.
Variant type: single nucleotide variant.
Coding change: c.808C>T on transcript NM_001371279.1 (MANE Select); coding-DNA position 808, C replaced by T.
Protein change: p.Arg270Cys; replaces arginine 270 with cysteine.
Molecular consequence: missense variant. On other transcripts: 3 prime UTR variant (3).
Genome position (GRCh38, 1-based): chr2:86,217,086, G>A on the plus strand (C>T on the coding strand, the complement: REEP1 is on the minus strand). VCF-style: chr2-86217086-G-A. GRCh37 (hg19) VCF-style: chr2-86444209-G-A.
Other names: c.385C>T (NM_001164732.1); c.*14C>T (NM_001164730.2, NM_001164731.2, NM_022912.3); c.385C>T, p.Arg129Cys (NM_001164732.2); c.442C>T, p.Arg148Cys (NM_001371280.1); short protein forms R129C, R148C, R270C.
Identifiers: ClinVar variation 1166866 (VCV001166866.10), dbSNP rs375445585, ClinGen allele CA1748659.